The following is an entry in ClinVar:

ClinVar aggregate classification (germline): Uncertain significance. Review status: criteria provided, multiple submitters, no conflicts (2 of 4 stars). 2 submissions from 2 submitters: Uncertain significance (2). Last evaluated 2026-03-22.

Conditions:
Hereditary cancer-predisposing syndrome. Also called: Tumor predisposition; Hereditary neoplastic syndrome; Neoplastic Syndromes, Hereditary; Hereditary Cancer Syndrome. Identifiers: Orphanet 140162, MedGen C0027672, MeSH D009386, MONDO:0015356.
Retinoblastoma (RB1). Also called: RETINOBLASTOMA, SOMATIC. Identifiers: Orphanet 790, MedGen C0035335, MeSH D012175, MONDO:0008380, OMIM 180200, HP:0009919. Disease mechanism: loss of function. Inheritance: Both sporadic and heritable forms are tested..

gnomAD v4.1: 1 of 1,603,168 alleles (0.000062%); highest among the groups gnomAD compares: South Asian, 0.0011%; no homozygotes.

Submissions (2):

Ambry Genetics
Classification: Uncertain significance for Hereditary cancer-predisposing syndrome. Last evaluated: 2026-03-22. Review status: criteria provided, single submitter. Criteria: Ambry Variant Classification Scheme 2023. Collection method: clinical testing. Allele origin: germline.
Comment: The p.M904I variant (also known as c.2712G>A), located in coding exon 26 of the RB1 gene, results from a G to A substitution at nucleotide position 2712. The methionine at codon 904 is replaced by isoleucine, an amino acid with highly similar properties. This amino acid position is conserved. In addition, the in silico prediction for this alteration is inconclusive. Based on the available evidence, the clinical significance of this variant remains unclear.

Labcorp Genetics (formerly Invitae), Labcorp
Classification: Uncertain significance for Retinoblastoma. Last evaluated: 2025-12-29. Review status: criteria provided, single submitter. Criteria: Invitae Variant Classification Sherloc (09022015). Collection method: clinical testing. Allele origin: germline.
Comment: This sequence change replaces methionine, which is neutral and non-polar, with isoleucine, which is neutral and non-polar, at codon 904 of the RB1 protein (p.Met904Ile). This variant is not present in population databases (gnomAD no frequency). This variant has not been reported in the literature in individuals affected with RB1-related conditions. ClinVar contains an entry for this variant (Variation ID: 2783091). An algorithm developed to predict the effect of missense changes on protein structure and function (PolyPhen-2) suggests that this variant is likely to be disruptive. In summary, the available evidence is currently insufficient to determine the role of this variant in disease. Therefore, it has been classified as a Variant of Uncertain Significance.

NM_000321.3(RB1):c.2712G>A (p.Met904Ile)

Gene: RB1 (RB transcriptional corepressor 1; plus strand). Cytogenetic location: 13q14.2.
Variant type: single nucleotide variant.
Coding change: c.2712G>A on transcript NM_000321.3 (MANE Select); coding-DNA position 2712, G replaced by A.
Protein change: p.Met904Ile; replaces methionine 904 with isoleucine.
Molecular consequence: missense variant.
Genome position (GRCh38, 1-based): chr13:48,477,403, G>A. VCF-style: chr13-48477403-G-A. GRCh37 (hg19) VCF-style: chr13-49051539-G-A.
Other names: c.2712G>A, p.Met904Ile (NM_001407165.1); c.162G>A, p.Met54Ile (NM_001407168.1); short protein forms M54I, M904I.
Identifiers: ClinVar variation 2783091 (VCV002783091.4), dbSNP rs1461167778, ClinGen allele CA388157939.